The following is an entry in ClinVar:

NM_003477.2(PDHX):c.-840C>T

Genes: APIP (APAF1 interacting protein; minus strand), PDHX (pyruvate dehydrogenase complex component X; plus strand). Cytogenetic location: 11p13.
Variant type: single nucleotide variant.
Coding change: c.-840C>T on transcript NM_003477.2; 840 bases upstream of the start codon, C replaced by T.
Molecular consequence: intron variant (on NM_015957.4).
Genome position (GRCh38, 1-based): chr11:34,915,816, C>T. VCF-style: chr11-34915816-C-T. GRCh37 (hg19) VCF-style: chr11-34937363-C-T.
Other names: c.57+412G>A (NM_015957.4).
Identifiers: ClinVar variation 683416 (VCV000683416.4), dbSNP rs3763932, ClinGen allele CA13459333.

ClinVar aggregate classification (germline): Benign. Review status: criteria provided, multiple submitters, no conflicts (2 of 4 stars). 2 submissions from 2 submitters: Benign (2). Last evaluated 2018-06-14.

Allele frequency attached by ClinVar (database versions not stated): gnomAD exomes 0.11142; TOPMed 0.19935; 1000 Genomes Project 30x 0.20066; gnomAD 0.19589 and 0.19025; 1000 Genomes Project 0.19249.
gnomAD v4.1: 38,196 of 236,070 alleles (16%); highest among the groups gnomAD compares: African/African-American, 39%; 4,595 homozygotes.

Submissions (2):

GeneDx
Classification: Benign. Last evaluated: 2018-06-14. Review status: criteria provided, single submitter. Criteria: GeneDx Variant Classification (06012015). Collection method: clinical testing. Allele origin: germline. Affected: yes.
Comment: This variant is considered likely benign or benign based on one or more of the following criteria: it is a conservative change, it occurs at a poorly conserved position in the protein, it is predicted to be benign by multiple in silico algorithms, and/or has population frequency not consistent with disease.

Breakthrough Genomics
Classification: Benign. Review status: criteria provided, single submitter. Criteria: ACMG Guidelines, 2015. Collection method: not provided. Allele origin: germline. Inheritance: Unknown mechanism. Affected: yes.